The following is an entry in ClinVar:

ClinVar aggregate classification (germline): Likely pathogenic (1 of 4 stars; one submission).

Conditions:
Hydrolethalus syndrome. Identifiers: Orphanet 2189, MedGen C2931104, MONDO:0006037.

Submission:

Natera, Inc.
Classification: Likely pathogenic for Hydrolethalus syndrome. Last evaluated: 2024-10-15. Review status: criteria provided, single submitter. Criteria: Natera Variant Classification Schema (03/2026). Collection method: clinical testing. Allele origin: germline.
Comment: The c.169delG variant in HYLS1 is a frameshift variant predicted to shift the reading frame beginning at codon 57 and leads to a stop codon 17 codons downstream. This variant is expected to result in nonsense mediated decay, truncation, or a dysfunctional protein product. This variant is rare in the general population with a frequency below the threshold expected for the associated phenotype(s). Given the available evidence, this variant is classified as Likely Pathogenic.

NM_001134793.2(HYLS1):c.169del (p.Ala57fs)

Genes: HYLS1 (HYLS1 centriolar and ciliogenesis associated; plus strand), PUS3 (pseudouridine synthase 3; minus strand). Cytogenetic location: 11q24.2.
Variant type: Deletion.
Coding change: c.169del on transcript NM_001134793.2 (MANE Select); coding-DNA position 169, one base deleted (G; older notation c.169delG).
Protein change: p.Ala57fs; shifts the reading frame from alanine 57.
Molecular consequence: frameshift variant. On other transcripts: intron variant (7).
Genome position (GRCh38, 1-based): chr11:125,899,537, G deleted. VCF-style (leftmost placement, unchanged base first): chr11-125899536-AG-A. GRCh37 (hg19) VCF-style: chr11-125769431-AG-A.
Other names: c.-46-3207del (NM_031307.4, NM_001441241.1, NM_001441239.1); c.-247+1142del (NM_001441238.1); c.-47+1142del (NM_001441240.1, NM_001441237.1); c.169del, p.Ala57fs (NM_001377269.1, NM_001377270.1, NM_001424364.1 and 1 more transcripts); c.-247+3633del (NM_001271985.2); short protein forms A57fs.
Identifiers: ClinVar variation 4816849 (VCV004816849.1).